The following is an entry in ClinVar:

ClinVar aggregate classification (germline): Uncertain significance (1 of 4 stars; one submission).

Allele frequency attached by ClinVar (database versions not stated): gnomAD exomes 0.00020; TOPMed 0.00015; ESP Exome Variant Server 0.00031; gnomAD 0.00015; ExAC 0.00006.

Submission:

Labcorp Genetics (formerly Invitae), Labcorp
Classification: Uncertain significance. Last evaluated: 2024-09-14. Review status: criteria provided, single submitter. Criteria: Invitae Variant Classification Sherloc (09022015). Collection method: clinical testing. Allele origin: germline.
Comment: This sequence change replaces alanine, which is neutral and non-polar, with valine, which is neutral and non-polar, at codon 287 of the TUBB1 protein (p.Ala287Val). This variant is present in population databases (rs139473150, gnomAD 0.01%). This variant has not been reported in the literature in individuals affected with TUBB1-related conditions. ClinVar contains an entry for this variant (Variation ID: 2071900). Invitae Evidence Modeling of protein sequence and biophysical properties (such as structural, functional, and spatial information, amino acid conservation, physicochemical variation, residue mobility, and thermodynamic stability) indicates that this missense variant is not expected to disrupt TUBB1 protein function with a negative predictive value of 80%. In summary, the available evidence is currently insufficient to determine the role of this variant in disease. Therefore, it has been classified as a Variant of Uncertain Significance.

NM_030773.4(TUBB1):c.860C>T (p.Ala287Val)

Gene: TUBB1 (tubulin beta 1 class VI; plus strand). Cytogenetic location: 20q13.32.
Variant type: single nucleotide variant.
Coding change: c.860C>T on transcript NM_030773.4 (MANE Select); coding-DNA position 860, C replaced by T.
Protein change: p.Ala287Val; replaces alanine 287 with valine.
Molecular consequence: missense variant.
Genome position (GRCh38, 1-based): chr20:59,024,287, C>T. VCF-style: chr20-59024287-C-T. GRCh37 (hg19) VCF-style: chr20-57599342-C-T.
Other names: short protein forms A287V.
Identifiers: ClinVar variation 2071900 (VCV002071900.4), dbSNP rs139473150, ClinGen allele CA9928601.